The following is an entry in ClinVar:

ClinVar aggregate classification (germline): Uncertain significance (1 of 4 stars; one submission).

Conditions:
Ullrich congenital muscular dystrophy 2 (UCMD2). Identifiers: Orphanet 75840, MedGen C4225314, MONDO:0014654, OMIM 616470.
Bethlem myopathy 2 (BTHLM2). Identifiers: Orphanet 536516, Orphanet 610, MedGen C4225313, MONDO:0034022, OMIM 616471.

Submission:

Labcorp Genetics (formerly Invitae), Labcorp
Classification: Uncertain significance for Bethlem myopathy 2; Ullrich congenital muscular dystrophy 2. Last evaluated: 2021-10-22. Review status: criteria provided, single submitter. Criteria: Invitae Variant Classification Sherloc (09022015). Collection method: clinical testing. Allele origin: germline.
Comment: This sequence change replaces proline with threonine at codon 2066 of the COL12A1 protein (p.Pro2066Thr). The proline residue is highly conserved and there is a small physicochemical difference between proline and threonine. This variant is not present in population databases (ExAC no frequency). This variant has not been reported in the literature in individuals affected with COL12A1-related conditions. Algorithms developed to predict the effect of missense changes on protein structure and function are either unavailable or do not agree on the potential impact of this missense change (SIFT: "Deleterious"; PolyPhen-2: "Probably Damaging"; Align-GVGD: "Class C0"). In summary, the available evidence is currently insufficient to determine the role of this variant in disease. Therefore, it has been classified as a Variant of Uncertain Significance.

NM_004370.6(COL12A1):c.6196C>A (p.Pro2066Thr)

Gene: COL12A1 (collagen type XII alpha 1 chain; minus strand). Cytogenetic location: 6q13.
Variant type: single nucleotide variant.
Coding change: c.6196C>A on transcript NM_004370.6 (MANE Select); coding-DNA position 6196, C replaced by A.
Protein change: p.Pro2066Thr; replaces proline 2066 with threonine.
Molecular consequence: missense variant.
Genome position (GRCh38, 1-based): chr6:75,130,105, G>T on the plus strand (C>A on the coding strand, the complement: COL12A1 is on the minus strand). VCF-style: chr6-75130105-G-T. GRCh37 (hg19) VCF-style: chr6-75839821-G-T.
Other names: c.2704C>A, p.Pro902Thr (NM_080645.3); short protein forms P902T, P2066T.
Identifiers: ClinVar variation 933327 (VCV000933327.8), dbSNP rs1766227819, ClinGen allele CA364730813.